The following is an entry in ClinVar:

ClinVar aggregate classification (germline): Likely pathogenic (1 of 4 stars; one submission).

Conditions:
Benign hereditary chorea (BHC). Also called: Benign Hereditary Chorea (BHC); HEREDITARY PROGRESSIVE CHOREA WITHOUT DEMENTIA. Identifiers: Orphanet 1429, MedGen C0393584, MONDO:0021011, OMIM 118700.

Submission:

MVZ Medizinische Genetik Mainz
Classification: Likely pathogenic for Benign hereditary chorea. Last evaluated: 2022-10-10. Review status: criteria provided, single submitter. Criteria: UK Practice Guidelines For Variant Classification V4 01 2020. Collection method: clinical testing. Allele origin: germline. Inheritance: Autosomal dominant inheritance. Affected: yes. Observed: 1 variant allele.
Comment: ACMG Criteria: PVS1,PM2_SUP

NM_001079668.3(NKX2-1):c.246_276del (p.Met83fs)

Genes: SFTA3 (surfactant associated 3; minus strand), NKX2-1 (NK2 homeobox 1; minus strand). Cytogenetic location: 14q13.3.
Variant type: Deletion.
Coding change: c.246_276del on transcript NM_001079668.3 (MANE Select); coding-DNA positions 246 to 276, 31 bases deleted.
Protein change: p.Met83fs; shifts the reading frame from methionine 83.
Molecular consequence: frameshift variant.
Genome position (GRCh38, 1-based): chr14:36,519,172-36,519,202, 31 bases deleted; deleting any 31 consecutive bases within chr14:36,519,172-36,519,206 gives the same sequence; the c. name uses the placement nearest the transcript's 3' end. GRCh37 (hg19): chr14:36,988,381-36,988,411.
Other names: c.156_186del, p.Met53fs (NM_003317.4); short protein forms M53fs, M83fs.
Identifiers: ClinVar variation 3234068 (VCV003234068.1), dbSNP rs2502635574, ClinGen allele CA2825002227.
Genomic context (GRCh38, chr14:36,519,171, plus strand): 5'-CGGCGGAGTGCGAGAGCTGGGGCACCCCCGCCGCCGTCATGTGGTAGGCGGCGGTGACGG[CGCCGTGGTGCCCCACGGCGTGCTGCTGCATG>C]GCCGCTGTTGGCGGTGCCGCCTGGCCCTGCCTGTACGCCGCCAGCGGAGCCCCGAGGCCG-3'